The following is an entry in ClinVar:

ClinVar aggregate classification (germline): Pathogenic (1 of 4 stars; one submission).

Submission:

GeneDx
Classification: Pathogenic. Last evaluated: 2014-01-16. Review status: criteria provided, single submitter. Criteria: GeneDx Variant Classification (06012015). Collection method: clinical testing. Allele origin: germline. Affected: yes.
Comment: The c.1161delC mutation in the ELN gene has been reported previously in association with SVAS (Micale et al., 2010). The deletion causes a frameshift starting with codon Glycine 388, changes this amino acid to a Glutamic acid residue and creates a premature Stop codon at position 86 of the new reading frame, denoted p.Gly388GlufsX86. This mutation is predicted to cause loss of normal protein function either through protein truncation or nonsense-mediated mRNA decay. This variant was found in ELN

NM_000501.4(ELN):c.1161del (p.Gly388fs)

Gene: ELN (elastin; plus strand). Cytogenetic location: 7q11.23.
Variant type: Deletion.
Coding change: c.1161del on transcript NM_000501.4 (MANE Select); coding-DNA position 1161, one base deleted (C; older notation c.1161delC).
Protein change: p.Gly388fs; shifts the reading frame from glycine 388.
Molecular consequence: frameshift variant.
Genome position (GRCh38, 1-based): chr7:74,056,281, C deleted; the last of 3 consecutive C bases (chr7:74,056,279-74,056,281); deleting any one gives the same sequence. VCF-style (leftmost placement, unchanged base first): chr7-74056278-GC-G. GRCh37 (hg19) VCF-style: chr7-73470608-GC-G.
Other names: c.1131del, p.Gly378fs (NM_001081752.3, NM_001278917.2); c.1176del, p.Gly393fs (NM_001081753.3, NM_001081754.3); c.1161del, p.Gly388fs (NM_001081755.3, NM_001278912.2, NM_001278915.2 and 1 more transcripts); c.1053del, p.Gly352fs (NM_001278913.2); c.1146del, p.Gly383fs (NM_001278914.2); c.1119del, p.Gly374fs (NM_001278916.2); c.1029del, p.Gly344fs (NM_001278918.2); short protein forms G374fs, G378fs, G383fs, G388fs, G344fs, G352fs, G393fs.
Identifiers: ClinVar variation 213188 (VCV000213188.1), dbSNP rs863223521, ClinGen allele CA322140.